The following is an entry in ClinVar:

NM_001267550.2(TTN):c.5147G>A (p.Arg1716His)

Gene: TTN (titin; minus strand). Cytogenetic location: 2q31.2.
Variant type: single nucleotide variant.
Coding change: c.5147G>A on transcript NM_001267550.2 (MANE Select); coding-DNA position 5147, G replaced by A.
Protein change: p.Arg1716His; replaces arginine 1716 with histidine.
Molecular consequence: missense variant.
Genome position (GRCh38, 1-based): chr2:178,776,717, C>T on the plus strand (G>A on the coding strand, the complement: TTN is on the minus strand). VCF-style: chr2-178776717-C-T. GRCh37 (hg19) VCF-style: chr2-179641444-C-T.
Other names: c.5147G>A, p.Arg1716His (NM_001256850.1, NM_133378.4, NM_133379.5); c.5009G>A, p.Arg1670His (NM_003319.4, NM_133432.3, NM_133437.4); short protein forms R1670H, R1716H.
Identifiers: ClinVar variation 1192079 (VCV001192079.6), dbSNP rs771659260, ClinGen allele CA2005214.

ClinVar aggregate classification (germline): Conflicting classifications of pathogenicity. Review status: criteria provided, conflicting classifications (1 of 4 stars). 4 submissions from 4 submitters: Uncertain significance (2); Likely benign (2). Last evaluated 2025-05-05.

Conditions:
TTN-related disorder. Also called: TTN-related disorders; TTN-related condition; TTN-related disease.

Allele frequency attached by ClinVar (database versions not stated): ExAC 0.00001; gnomAD 0.00003; gnomAD exomes 0.00004; TOPMed 0.00007.
gnomAD v4.1: 40 of 1,613,952 alleles (0.0025%); highest among the groups gnomAD compares: Middle Eastern, 0.016%; no homozygotes.

Submissions (4):

PreventionGenetics, part of Exact Sciences
Classification: Uncertain significance for TTN-related condition. Last evaluated: 2025-05-05. Review status: criteria provided, single submitter. Criteria: ACMG Guidelines, 2015. Collection method: clinical testing. Allele origin: germline.
Comment: The TTN c.5147G>A variant is predicted to result in the amino acid substitution p.Arg1716His. To our knowledge, this variant has not been reported in the literature. This variant is reported in 0.014% of alleles in individuals of Latino descent in gnomAD. At this time, the clinical significance of this variant is uncertain due to the absence of conclusive functional and genetic evidence.

Blueprint Genetics
Classification: Likely benign. Last evaluated: 2023-11-06. Review status: criteria provided, single submitter. Criteria: ACMG Guidelines, 2015. Collection method: clinical testing. Allele origin: germline.

Revvity Omics, Revvity
Classification: Uncertain significance. Last evaluated: 2023-05-02. Review status: criteria provided, single submitter. Criteria: ACMG Guidelines, 2015. Collection method: clinical testing. Allele origin: germline.

GeneDx
Classification: Likely benign. Last evaluated: 2020-08-06. Review status: criteria provided, single submitter. Criteria: GeneDx Variant Classification Process June 2021. Collection method: clinical testing. Allele origin: germline. Affected: yes.